The following is an entry in ClinVar:

ClinVar aggregate classification (germline): Likely pathogenic (1 of 4 stars; one submission).

Submission:

Labcorp Genetics (formerly Invitae), Labcorp
Classification: Likely pathogenic. Last evaluated: 2025-09-08. Review status: criteria provided, single submitter. Criteria: Invitae Variant Classification Sherloc (09022015). Collection method: clinical testing. Allele origin: germline.
Comment: This sequence change affects a donor splice site in intron 1 of the DGAT1 gene. It is expected to disrupt RNA splicing. Variants that disrupt the donor or acceptor splice site typically lead to a loss of protein function (PMID: 16199547), and loss-of-function variants in DGAT1 are known to be pathogenic (PMID: 29604290). This variant is not present in population databases (gnomAD no frequency). This variant has not been reported in the literature in individuals affected with DGAT1-related conditions. ClinVar contains an entry for this variant (Variation ID: 2825960). Algorithms developed to predict the effect of sequence changes on RNA splicing suggest that this variant may disrupt the consensus splice site. In summary, the currently available evidence indicates that the variant is pathogenic, but additional data are needed to prove that conclusively. Therefore, this variant has been classified as Likely Pathogenic.

Literature cited by the submitters: PubMed 16199547; PubMed 29604290.

NM_012079.6(DGAT1):c.200+2T>C

Gene: DGAT1 (diacylglycerol O-acyltransferase 1; minus strand). Cytogenetic location: 8q24.3.
Variant type: single nucleotide variant.
Coding change: c.200+2T>C on transcript NM_012079.6 (MANE Select); the canonical splice donor site of the intron after coding-DNA position 200, T replaced by C.
Molecular consequence: splice donor variant.
Genome position (GRCh38, 1-based): chr8:144,326,435, A>G on the plus strand (T>C on the coding strand, the complement: DGAT1 is on the minus strand). VCF-style: chr8-144326435-A-G. GRCh37 (hg19) VCF-style: chr8-145550098-A-G.
Identifiers: ClinVar variation 2825960 (VCV002825960.3), dbSNP rs566515249, ClinGen allele CA187671636.